The following is an entry in ClinVar:

ClinVar aggregate classification (germline): Pathogenic (1 of 4 stars; one submission).

Conditions:
Dystonic disorder. Also called: Dystonia. Identifiers: MedGen C0013421, MONDO:0003441, HP:0001332.

Submission:

Labcorp Genetics (formerly Invitae), Labcorp
Classification: Pathogenic for Dystonic disorder. Last evaluated: 2021-12-03. Review status: criteria provided, single submitter. Criteria: Invitae Variant Classification Sherloc (09022015). Collection method: clinical testing. Allele origin: germline.
Comment: A gross deletion of the genomic region encompassing the full coding sequence of the GNAL gene has been identified. Loss-of-function variants in GNAL are known to be pathogenic (PMID: 23222958, 27123488). The boundaries of this event are unknown as they extend beyond the assayed region for this gene and therefore may encompass additional genes. Isolated whole-gene deletions of GNAL have not been reported in the literature. However, larger copy number events that include this gene have been reported (PMID: 24405754). For these reasons, this variant has been classified as Pathogenic.

Literature cited by the submitters: PubMed 23222958; PubMed 27123488; PubMed 24405754.

NC_000018.9:g.(?_11752433)_(11881134_?)del

Genes: CHMP1B (charged multivesicular body protein 1B; plus strand), GNAL (G protein subunit alpha L; plus strand). Cytogenetic location: 18p11.21.
Variant type: Deletion.
Identifiers: ClinVar variation 1460398 (VCV001460398.3).